The following is an entry in ClinVar:

ClinVar aggregate classification (germline): Uncertain significance (1 of 4 stars; one submission).

Conditions:
Familial cancer of breast. Also called: BREAST CANCER, FAMILIAL; Hereditary breast cancer; hereditary breast carcinoma. Identifiers: Orphanet 227535, MedGen C0346153, MONDO:0016419, OMIM 114480. Disease mechanism: loss of function.

Submission:

Labcorp Genetics (formerly Invitae), Labcorp
Classification: Uncertain significance for Familial cancer of breast. Last evaluated: 2018-05-22. Review status: criteria provided, single submitter. Criteria: Invitae Variant Classification Sherloc (09022015). Collection method: clinical testing. Allele origin: germline.
Comment: This variant has not been reported in the literature in individuals with CHEK2-related disease. In summary, the available evidence is currently insufficient to determine the role of this variant in disease. Therefore, it has been classified as a Variant of Uncertain Significance. Algorithms developed to predict the effect of missense changes on protein structure and function (SIFT, PolyPhen-2, Align-GVGD) all suggest that this variant is likely to be disruptive, but these predictions have not been confirmed by published functional studies and their clinical significance is uncertain. This variant is not present in population databases (ExAC no frequency). This sequence change replaces asparagine with tyrosine at codon 186 of the CHEK2 protein (p.Asn186Tyr). The asparagine residue is highly conserved and there is a large physicochemical difference between asparagine and tyrosine.

NM_007194.4(CHEK2):c.556A>T (p.Asn186Tyr)

Gene: CHEK2 (checkpoint kinase 2; minus strand). Cytogenetic location: 22q12.1.
Variant type: single nucleotide variant.
Coding change: c.556A>T on transcript NM_007194.4 (MANE Select); coding-DNA position 556, A replaced by T.
Protein change: p.Asn186Tyr; replaces asparagine 186 with tyrosine.
Molecular consequence: missense variant. On other transcripts: 5 prime UTR variant (2), intron variant (1).
Genome position (GRCh38, 1-based): chr22:28,725,013, T>A on the plus strand (A>T on the coding strand, the complement: CHEK2 is on the minus strand). VCF-style: chr22-28725013-T-A. GRCh37 (hg19) VCF-style: chr22-29121001-T-A.
Other names: c.685A>T, p.Asn229Tyr (NM_001005735.3, NM_001438294.1); c.-222A>T (NM_001257387.3); c.-108A>T (NM_001437942.1); c.649A>T, p.Asn217Tyr (NM_001438293.1, NM_001438295.1); c.556A>T, p.Asn186Tyr (NM_145862.3); c.445-90A>T (NM_001349956.3); short protein forms N186Y, N229Y, N217Y.
Identifiers: ClinVar variation 568508 (VCV000568508.9), dbSNP rs146198085, ClinGen allele CA411107139.